The following is an entry in ClinVar:

NM_000089.4(COL1A2):c.211C>G (p.Pro71Ala)

Gene: COL1A2 (collagen type I alpha 2 chain; plus strand). Cytogenetic location: 7q21.3.
Variant type: single nucleotide variant.
Coding change: c.211C>G on transcript NM_000089.4 (MANE Select); coding-DNA position 211, C replaced by G.
Protein change: p.Pro71Ala; replaces proline 71 with alanine.
Molecular consequence: missense variant.
Genome position (GRCh38, 1-based): chr7:94,400,274, C>G. VCF-style: chr7-94400274-C-G. GRCh37 (hg19) VCF-style: chr7-94029586-C-G.
Other names: short protein forms P71A.
Identifiers: ClinVar variation 3748032 (VCV003748032.2).
Genomic context (GRCh38, chr7:94,400,274, plus strand): 5'-GGCAGAGATGGTGAAGATGGTCCCACAGGCCCTCCTGGTCCACCTGGTCCTCCTGGCCCC[C>G]CTGGTCTCGGTGGGGTAAGGTGTCTTACGTATTGCTAACTTTTAGCTAACTTCAGTTGAA-3'
Protein context (NP_000080.2, residues 61-81): PPGPPGPPGP[Pro71Ala]GLGGNFAAQY

ClinVar aggregate classification (germline): Uncertain significance (1 of 4 stars; one submission).

Conditions:
Ehlers-Danlos syndrome, classic type, 1 (EDSCL1). Also called: EHLERS-DANLOS SYNDROME, GRAVIS TYPE; EHLERS-DANLOS SYNDROME, SEVERE CLASSIC TYPE; Ehlers-Danlos syndrome, type 1; Ehlers-Danlos Syndrome, Classic Type, COL5A1-Related; EDS I. Identifiers: MedGen C0268335, MONDO:0019567, OMIM 130000.
Osteogenesis imperfecta type I (OI1). Also called: OI, TYPE I; OSTEOGENESIS IMPERFECTA TARDA; OSTEOGENESIS IMPERFECTA WITH BLUE SCLERAE; Osteogenesis imperfecta type 1; Lobstein's Disease; Lobstein disease. Identifiers: Orphanet 216796, Orphanet 666, MedGen C0023931, MONDO:0008146, OMIM 166200. Disease mechanism: loss of function.

gnomAD v4.1: 9 of 1,613,358 alleles (0.00056%); highest among the groups gnomAD compares: Non-Finnish European, 0.00076%; no homozygotes.

Submission:

Labcorp Genetics (formerly Invitae), Labcorp
Classification: Uncertain significance for Osteogenesis imperfecta type I; Ehlers-Danlos syndrome, classic type, 1. Last evaluated: 2024-10-30. Review status: criteria provided, single submitter. Criteria: Invitae Variant Classification Sherloc (09022015). Collection method: clinical testing. Allele origin: germline.
Comment: This sequence change replaces proline, which is neutral and non-polar, with alanine, which is neutral and non-polar, at codon 71 of the COL1A2 protein (p.Pro71Ala). This variant is not present in population databases (gnomAD no frequency). This variant has not been reported in the literature in individuals affected with COL1A2-related conditions. Invitae Evidence Modeling of protein sequence and biophysical properties (such as structural, functional, and spatial information, amino acid conservation, physicochemical variation, residue mobility, and thermodynamic stability) indicates that this missense variant is not expected to disrupt COL1A2 protein function with a negative predictive value of 95%. In summary, the available evidence is currently insufficient to determine the role of this variant in disease. Therefore, it has been classified as a Variant of Uncertain Significance.